The following is an entry in ClinVar:

NM_001844.5(COL2A1):c.26C>G (p.Thr9Arg)

Gene: COL2A1 (collagen type II alpha 1 chain; minus strand). Cytogenetic location: 12q13.11.
Variant type: single nucleotide variant.
Coding change: c.26C>G on transcript NM_001844.5 (MANE Select); coding-DNA position 26, C replaced by G.
Protein change: p.Thr9Arg; replaces threonine 9 with arginine.
Molecular consequence: missense variant.
Genome position (GRCh38, 1-based): chr12:48,004,296, G>C on the plus strand (C>G on the coding strand, the complement: COL2A1 is on the minus strand). VCF-style: chr12-48004296-G-C. GRCh37 (hg19) VCF-style: chr12-48398079-G-C.
Other names: c.26C>G, p.Thr9Arg (NM_033150.3); short protein forms T9R.
Identifiers: ClinVar variation 3242025 (VCV003242025.1), dbSNP rs557946588.

ClinVar aggregate classification (germline): Uncertain significance (1 of 4 stars; one submission).

Conditions:
Stickler syndrome type 1 (STL1). Also called: STICKLER SYNDROME, MEMBRANOUS VITREOUS TYPE; STICKLER SYNDROME, VITREOUS TYPE 1; ARTHROOPHTHALMOPATHY, HEREDITARY PROGRESSIVE; COL2A1-Related Stickler Syndrome. Identifiers: Orphanet 828, Orphanet 90653, MedGen C2020284, MONDO:0007160, OMIM 108300.

Allele frequency attached by ClinVar (database versions not stated): gnomAD exomes below 0.00001.
gnomAD v4.1: 4 of 1,550,108 alleles (0.00026%); highest among the groups gnomAD compares: South Asian, 0.0048%; no homozygotes.

Submission:

Neuberg Centre For Genomic Medicine, NCGM
Classification: Uncertain significance for Stickler syndrome type 1. Review status: criteria provided, single submitter. Criteria: ACMG Guidelines, 2015. Collection method: clinical testing. Allele origin: germline. Inheritance: Autosomal dominant inheritance. Affected: yes.
Comment: The observed missense variant c.26C>G (p.Thr9Arg) in COL2A1 gene has not been reported previously as a pathogenic variant nor as a benign variant, to our knowledge. The p.Thr9Arg variant is absent in gnomAD Exomes database. This variant has not been submitted to the ClinVar database. The amino acid change p.Thr9Arg in COL2A1 is predicted as conserved by GERP++ and PhyloP across 100 vertebrates. The amino acid Thr at position 9 is changed to a Arg changing protein sequence and it might alter its composition and physico-chemical properties. For these reasons, this variant has been classified as a Variant of Uncertain Significance (VUS).